The following is an entry in ClinVar:

NM_001943.5(DSG2):c.3082G>A (p.Gly1028Ser)

Genes: DSG2 (desmoglein 2; plus strand), DSG2-AS1 (DSG2 antisense RNA 1; minus strand). Cytogenetic location: 18q12.1.
Variant type: single nucleotide variant.
Coding change: c.3082G>A on transcript NM_001943.5 (MANE Select); coding-DNA position 3082, G replaced by A.
Protein change: p.Gly1028Ser; replaces glycine 1028 with serine.
Molecular consequence: missense variant.
Genome position (GRCh38, 1-based): chr18:31,546,468, G>A. VCF-style: chr18-31546468-G-A. GRCh37 (hg19) VCF-style: chr18-29126431-G-A.
Other names: p.G1028S:GGT>AGT; short protein forms G1028S.
Identifiers: ClinVar variation 163221 (VCV000163221.28), dbSNP rs150864240, ClinGen allele CA021973.
Genomic context (GRCh38, chr18:31,546,468, plus strand): 5'-CTTCAAGATGTACCTTACGTCATGGTGAGGGAAAGAGAGAGCTTCCTTGCCCCCAGCTCA[G>A]GTGTGCAGCCTACTCTGGCCATGCCTAATATAGCAGTAGGACAGAATGTGACAGTGACAG-3'
Protein context (NP_001934.2, residues 1018-1038): ERESFLAPSS[Gly1028Ser]VQPTLAMPNI

ClinVar aggregate classification (germline): Benign/Likely benign. Review status: criteria provided, multiple submitters, no conflicts (2 of 4 stars). 11 submissions from 11 submitters: Benign (3); Likely benign (5). 3 of the submissions do not count toward it. Last evaluated 2026-02-02.

Conditions:
Cardiovascular phenotype. Identifiers: MedGen CN230736.
DSG2-related disorder. Also called: DSG2-related condition.
Cardiomyopathy (CMYO). Also called: Cardiomyopathies. Identifiers: Orphanet 167848, MedGen C0878544, MONDO:0004994, HP:0001638. Inheritance: Various modes of inheritance.
Arrhythmogenic right ventricular dysplasia 10. Also called: Arrhythmogenic Right Ventricular Dysplasia/Cardiomyopathy10; ARRHYTHMOGENIC RIGHT VENTRICULAR DYSPLASIA, FAMILIAL, 10; Arrhythmogenic right ventricular dysplasia/cardiomyopathy, type 10. Identifiers: MedGen C1857777, MONDO:0012434, OMIM 610193.

Allele frequency attached by ClinVar (database versions not stated): gnomAD exomes 0.00016 and 0.00044; ExAC 0.00063; 1000 Genomes Project 30x 0.00125; 1000 Genomes Project 0.00140; ESP Exome Variant Server 0.00161; gnomAD 0.00184 and 0.00196; TOPMed 0.00213.
gnomAD v4.1: 540 of 1,614,200 alleles (0.033%); highest among the groups gnomAD compares: African/African-American, 0.65%; no homozygotes.

Submissions (11):

Labcorp Genetics (formerly Invitae), Labcorp
Classification: Benign for Arrhythmogenic right ventricular dysplasia 10. Last evaluated: 2026-02-02. Review status: criteria provided, single submitter. Criteria: Invitae Variant Classification Sherloc (09022015). Collection method: clinical testing. Allele origin: germline.

Molecular Diagnostic Laboratory for Inherited Cardiovascular Disease, Montreal Heart Institute
Classification: Likely benign. Last evaluated: 2025-04-09. Review status: criteria provided, single submitter. Criteria: ACMG Guidelines, 2015. Collection method: clinical testing. Allele origin: germline. Affected: no.

Blueprint Genetics
Classification: Likely benign. Last evaluated: 2024-10-09. Review status: criteria provided, single submitter. Criteria: ACMG Guidelines, 2015. Collection method: clinical testing. Allele origin: germline.

CHEO Genetics Diagnostic Laboratory, Children's Hospital of Eastern Ontario
Classification: Benign for Cardiomyopathy. Last evaluated: 2023-05-16. Review status: criteria provided, single submitter. Criteria: ACMG Guidelines, 2015. Collection method: clinical testing. Allele origin: germline. Study: Canadian Open Genetics Repository.

GeneDx
Classification: Likely benign. Last evaluated: 2020-09-17. Review status: criteria provided, single submitter. Criteria: GeneDx Variant Classification Process June 2021. Collection method: clinical testing. Allele origin: germline. Affected: yes.

Color Diagnostics, LLC DBA Color Health
Classification: Benign for Cardiomyopathy. Last evaluated: 2018-10-15. Review status: criteria provided, single submitter. Criteria: ACMG Guidelines, 2015. Collection method: clinical testing. Allele origin: germline.

Ambry Genetics
Classification: Likely benign for Cardiovascular phenotype. Last evaluated: 2018-05-02. Review status: criteria provided, single submitter. Criteria: Ambry Variant Classification Scheme 2023. Collection method: clinical testing. Allele origin: germline.

Laboratory for Molecular Medicine, Mass General Brigham Personalized Medicine
Classification: Likely benign. Last evaluated: 2015-03-23. Review status: criteria provided, single submitter. Criteria: LMM Criteria. Collection method: clinical testing. Allele origin: germline. Observed: 3 variant alleles.
Comment: p.Gly1028Ser in exon 15 of DSG2: This variant is not expected to have clinical s ignificance because it has been identified in 0.7% (72/9808) of African chromoso mes by the Exome Aggregation Consortium (ExAC; d bSNP rs150864240).

PreventionGenetics, part of Exact Sciences
Classification: Benign for DSG2-related condition. Last evaluated: 2019-03-20. Review status: no assertion criteria provided. Collection method: clinical testing. Allele origin: germline. Not counted in ClinVar's aggregate classification.
Comment: This variant is classified as benign based on ACMG/AMP sequence variant interpretation guidelines (Richards et al. 2015 PMID: 25741868, with internal and published modifications).

Clinical Genetics DNA and cytogenetics Diagnostics Lab, Erasmus MC, Erasmus Medical Center
Classification: Likely benign. Review status: no assertion criteria provided. Collection method: clinical testing. Allele origin: germline. Affected: yes. Study: VKGL Data-share Consensus. Not counted in ClinVar's aggregate classification.

Clinical Genetics, Academic Medical Center
Classification: Benign. Review status: no assertion criteria provided. Collection method: clinical testing. Allele origin: germline. Affected: yes. Study: VKGL Data-share Consensus. Not counted in ClinVar's aggregate classification.